The following is an entry in ClinVar:

ClinVar aggregate classification (germline): Likely pathogenic (1 of 4 stars; one submission).

Conditions:
Developmental and epileptic encephalopathy, 42 (DEE42A). Also called: DEVELOPMENTAL AND EPILEPTIC ENCEPHALOPATHY 42A; EPILEPTIC ENCEPHALOPATHY, EARLY INFANTILE, 42A; Epileptic encephalopathy, early infantile, 42. Identifiers: MedGen C4310716, MONDO:0014917, OMIM 617106.
Episodic ataxia type 2 (EA2). Also called: ACETAZOLAMIDE-RESPONSIVE HEREDITARY PAROXYSMAL CEREBELLAR ATAXIA; ATAXIA, EPISODIC, WITH NYSTAGMUS; ATAXIA, FAMILIAL PAROXYSMAL; CEREBELLAR ATAXIA, PAROXYSMAL, ACETAZOLAMIDE-RESPONSIVE; CEREBELLOPATHY, HEREDITARY PAROXYSMAL; EPISODIC ATAXIA, NYSTAGMUS-ASSOCIATED. Identifiers: Orphanet 97, MedGen C1720416, MONDO:0007163, OMIM 108500.

Submission:

Labcorp Genetics (formerly Invitae), Labcorp
Classification: Likely pathogenic for Developmental and epileptic encephalopathy, 42; Episodic ataxia type 2. Last evaluated: 2024-01-14. Review status: criteria provided, single submitter. Criteria: Invitae Variant Classification Sherloc (09022015). Collection method: clinical testing. Allele origin: germline.
Comment: This sequence change replaces threonine, which is neutral and polar, with alanine, which is neutral and non-polar, at codon 501 of the CACNA1A protein (p.Thr501Ala). This variant is not present in population databases (gnomAD no frequency). This variant has not been reported in the literature in individuals affected with CACNA1A-related conditions. Advanced modeling of protein sequence and biophysical properties (such as structural, functional, and spatial information, amino acid conservation, physicochemical variation, residue mobility, and thermodynamic stability) performed at Invitae indicates that this missense variant is expected to disrupt CACNA1A protein function with a positive predictive value of 95%. This variant disrupts the p.Thr501 amino acid residue in CACNA1A. Other variant(s) that disrupt this residue have been determined to be pathogenic (PMID: 20129625, 24498617, 34320921). This suggests that this residue is clinically significant, and that variants that disrupt this residue are likely to be disease-causing. In summary, the currently available evidence indicates that the variant is pathogenic, but additional data are needed to prove that conclusively. Therefore, this variant has been classified as Likely Pathogenic.

Literature cited by the submitters: PubMed 20129625; PubMed 24498617; PubMed 34320921.

NM_001127222.2(CACNA1A):c.1498A>G (p.Thr500Ala)

Gene: CACNA1A (calcium voltage-gated channel subunit alpha1 A; minus strand). Cytogenetic location: 19p13.13.
Variant type: single nucleotide variant.
Coding change: c.1498A>G on transcript NM_001127222.2 (MANE Select); coding-DNA position 1498, A replaced by G.
Protein change: p.Thr500Ala; replaces threonine 500 with alanine.
Molecular consequence: missense variant.
Genome position (GRCh38, 1-based): chr19:13,317,169, T>C on the plus strand (A>G on the coding strand, the complement: CACNA1A is on the minus strand). VCF-style: chr19-13317169-T-C. GRCh37 (hg19) VCF-style: chr19-13427983-T-C.
Other names: c.1501A>G, p.Thr501Ala (NM_000068.4, NM_001127221.2, NM_001174080.2 and 1 more transcripts); short protein forms T500A, T501A.
Identifiers: ClinVar variation 2922207 (VCV002922207.3), dbSNP rs2512982816, ClinGen allele CA404345677.